The following is an entry in ClinVar:

ClinVar aggregate classification (germline): Uncertain significance (1 of 4 stars; one submission).

Submission:

GeneDx
Classification: Uncertain significance. Last evaluated: 2026-09-07. Review status: criteria provided, single submitter. Criteria: GeneDx Variant Classification Process June 2021. Collection method: clinical testing. Allele origin: germline.
Comment: Not observed at significant frequency in large population cohorts (gnomAD); In silico analysis supports that this missense variant does not alter protein structure/function; Has not been previously published as pathogenic or benign to our knowledge

NM_015015.3(KDM4B):c.144C>G (p.Ile48Met)

Gene: KDM4B (lysine demethylase 4B; plus strand). Cytogenetic location: 19p13.3.
Variant type: single nucleotide variant.
Coding change: c.144C>G on transcript NM_015015.3 (MANE Select); coding-DNA position 144, C replaced by G.
Protein change: p.Ile48Met; replaces isoleucine 48 with methionine.
Molecular consequence: missense variant.
Genome position (GRCh38, 1-based): chr19:5,039,838, C>G. VCF-style: chr19-5039838-C-G. GRCh37 (hg19) VCF-style: chr19-5039849-C-G.
Other names: c.144C>G, p.Ile48Met (NM_001370093.1, NM_001370094.1, NM_001411148.1); short protein forms I48M.
Identifiers: ClinVar variation 2579404 (VCV002579404.2), dbSNP rs2512225126, ClinGen allele CA403489560.